The following is an entry in ClinVar:

ClinVar aggregate classification (germline): Uncertain significance (1 of 4 stars; one submission).

Submission:

Labcorp Genetics (formerly Invitae), Labcorp
Classification: Uncertain significance. Last evaluated: 2025-04-10. Review status: criteria provided, single submitter. Criteria: Invitae Variant Classification Sherloc (09022015). Collection method: clinical testing. Allele origin: germline.
Comment: This sequence change replaces phenylalanine, which is neutral and non-polar, with leucine, which is neutral and non-polar, at codon 378 of the NTRK2 protein (p.Phe378Leu). This variant is not present in population databases (gnomAD no frequency). This variant has not been reported in the literature in individuals affected with NTRK2-related conditions. Invitae Evidence Modeling of protein sequence and biophysical properties (such as structural, functional, and spatial information, amino acid conservation, physicochemical variation, residue mobility, and thermodynamic stability) indicates that this missense variant is not expected to disrupt NTRK2 protein function with a negative predictive value of 80%. In summary, the available evidence is currently insufficient to determine the role of this variant in disease. Therefore, it has been classified as a Variant of Uncertain Significance.

NM_006180.6(NTRK2):c.1132T>C (p.Phe378Leu)

Gene: NTRK2 (neurotrophic receptor tyrosine kinase 2; plus strand). Cytogenetic location: 9q21.33.
Variant type: single nucleotide variant.
Coding change: c.1132T>C on transcript NM_006180.6 (MANE Select); coding-DNA position 1132, T replaced by C.
Protein change: p.Phe378Leu; replaces phenylalanine 378 with leucine.
Molecular consequence: missense variant.
Genome position (GRCh38, 1-based): chr9:84,727,932, T>C. VCF-style: chr9-84727932-T-C. GRCh37 (hg19) VCF-style: chr9-87342847-T-C.
Other names: c.1132T>C, p.Phe378Leu (NM_001007097.3, NM_001018064.3, NM_001018065.2 and 16 more transcripts); c.1093T>C, p.Phe365Leu (NM_001291937.2, NM_001369546.1); c.664T>C, p.Phe222Leu (NM_001369535.1, NM_001369536.1, NM_001369550.1 and 2 more transcripts); short protein forms F378L, F222L, F365L.
Identifiers: ClinVar variation 4745070 (VCV004745070.1).
Genomic context (GRCh38, chr9:84,727,932, plus strand): 5'-GACTACACTCTAATAGCCAAGAATGAGTATGGGAAGGATGAGAAACAGATTTCTGCTCAC[T>C]TCATGGGCTGGCCTGGAATTGACGATGGTGAGTAACTGACACTTTTGTATGTGGGGAGAA-3'
Protein context (NP_006171.2, residues 368-388): GKDEKQISAH[Phe378Leu]MGWPGIDDGA